The following is an entry in ClinVar:

NM_007198.4(PLPBP):c.207C>A (p.Tyr69Ter)

Gene: PLPBP (pyridoxal phosphate binding protein; plus strand). Cytogenetic location: 8p11.23.
Variant type: single nucleotide variant.
Coding change: c.207C>A on transcript NM_007198.4 (MANE Select); coding-DNA position 207, C replaced by A.
Protein change: p.Tyr69Ter; replaces tyrosine 69 with a stop codon.
Molecular consequence: nonsense.
Genome position (GRCh38, 1-based): chr8:37,765,633, C>A. VCF-style: chr8-37765633-C-A. GRCh37 (hg19) VCF-style: chr8-37623151-C-A.
Other names: c.207C>A, p.Tyr69Ter (NM_001349346.2, NM_001349347.2); c.51C>A, p.Tyr17Ter (NM_001349348.2); c.312C>A, p.Tyr104Ter (NM_001349349.1); short protein forms Y17*, Y104*, Y69*.
Identifiers: ClinVar variation 2743804 (VCV002743804.3), dbSNP rs201043042, ClinGen allele CA175032771.

ClinVar aggregate classification (germline): Pathogenic (1 of 4 stars; one submission).

Submission:

Labcorp Genetics (formerly Invitae), Labcorp
Classification: Pathogenic. Last evaluated: 2023-07-16. Review status: criteria provided, single submitter. Criteria: Invitae Variant Classification Sherloc (09022015). Collection method: clinical testing. Allele origin: germline.
Comment: For these reasons, this variant has been classified as Pathogenic. This variant has not been reported in the literature in individuals affected with PROSC-related conditions. This variant is not present in population databases (gnomAD no frequency). This sequence change creates a premature translational stop signal (p.Tyr69*) in the PROSC gene. It is expected to result in an absent or disrupted protein product. Loss-of-function variants in PROSC are known to be pathogenic (PMID: 27912044).

Literature cited by the submitters: PubMed 27912044.